The following is an entry in ClinVar:

NM_003924.4(PHOX2B):c.750GGC[5] (p.Ala260dup)

Genes: PHOX2B (paired like homeobox 2B; minus strand), LOC110011216 (paired like homeobox 2b polyalanine repeat instability region; plus strand). Cytogenetic location: 4p13.
Variant type: Microsatellite.
Coding change: c.750GGC[5] on transcript NM_003924.4 (MANE Select); five copies in a row of the 3-base unit GGC starting at c.750; the reference has four copies in a row; one copy, 3 bases duplicated.
Protein change: p.Ala260dup; duplicates alanine 260.
Molecular consequence: inframe insertion.
Genome position (GRCh38, 1-based): chr4:41,745,991-41,745,993, GCC duplicated on the plus strand (GGC on the coding strand, the reverse complement: PHOX2B is on the minus strand); duplicating any 3 consecutive bases within chr4:41,745,991-41,746,004 gives the same sequence; the position shown is the placement nearest the transcript's 3' end. VCF-style (leftmost placement, unchanged base first): chr4-41745990-T-TGCC. GRCh37 (hg19) VCF-style: chr4-41748007-T-TGCC.
Other names: c.759_761dupGGC (NM_003924.3).
Identifiers: ClinVar variation 857993 (VCV000857993.6), dbSNP rs955563168, ClinGen allele CA95828446.

ClinVar aggregate classification (germline): Uncertain significance. Review status: criteria provided, multiple submitters, no conflicts (2 of 4 stars). 2 submissions from 2 submitters: Uncertain significance (2). Last evaluated 2024-11-25.

Conditions:
Haddad syndrome (OHD). Also called: Ondine-Hirschsprung disease. Identifiers: Orphanet 99803, MedGen C1859049, MONDO:0020493.
Hereditary cancer-predisposing syndrome. Also called: Tumor predisposition; Hereditary neoplastic syndrome; Neoplastic Syndromes, Hereditary; Hereditary Cancer Syndrome. Identifiers: Orphanet 140162, MedGen C0027672, MeSH D009386, MONDO:0015356.

Submissions (2):

Ambry Genetics
Classification: Uncertain significance for Hereditary cancer-predisposing syndrome. Last evaluated: 2024-11-25. Review status: criteria provided, single submitter. Criteria: Ambry Variant Classification Scheme 2023. Collection method: clinical testing. Allele origin: germline.
Comment: The p.Ala261[21] variant (also known as c.759_761dupGGC, p.A260dup), located in coding exon 3 of the PHOX2B gene, results from an in-frame duplication of GGC at nucleotide positions 759 to 761. This results in the duplication of an extra residue between codons 260 and 261. This amino acid position is not well conserved in available vertebrate species. In addition, this alteration is predicted to be neutral by in silico analysis (Choi Y et al. PLoS ONE. 2012; 7(10):e46688). Based on the available evidence, the clinical significance of this variant remains unclear.

Labcorp Genetics (formerly Invitae), Labcorp
Classification: Uncertain significance for Haddad syndrome. Last evaluated: 2020-10-19. Review status: criteria provided, single submitter. Criteria: Invitae Variant Classification Sherloc (09022015). Collection method: clinical testing. Allele origin: germline.
Comment: Experimental studies and prediction algorithms are not available for this variant, and the functional significance of the affected amino acid(s) is currently unknown. This variant has not been reported in the literature in individuals with PHOX2B-related conditions. The frequency data for this variant in the population databases is considered unreliable, as metrics indicate insufficient coverage at this position in the ExAC database. This variant, c.759_761dup, results in the insertion of 1 amino acid(s) to the PHOX2B protein (p.Ala260dup), but otherwise preserves the integrity of the reading frame. In summary, the available evidence is currently insufficient to determine the role of this variant in disease. Therefore, it has been classified as a Variant of Uncertain Significance.